The following is an entry in ClinVar:

ClinVar aggregate classification (germline): Benign (1 of 4 stars; one submission).

Submission:

CeGaT Center for Human Genetics Tuebingen
Classification: Benign. Last evaluated: 2026-03-01. Review status: criteria provided, single submitter. Criteria: CeGaT Center For Human Genetics Tuebingen Variant Classification Criteria Version 2. Collection method: clinical testing. Allele origin: germline. Affected: yes. Observed: 1 variant allele.
Comment: ROS1: BP4, BS1, BS2

NM_001378902.1(ROS1):c.6702T>G (p.Asn2234Lys)

Gene: ROS1 (ROS proto-oncogene 1, receptor tyrosine kinase; minus strand). Cytogenetic location: 6q22.1.
Variant type: single nucleotide variant.
Coding change: c.6702T>G on transcript NM_001378902.1 (MANE Select); coding-DNA position 6702, T replaced by G.
Protein change: p.Asn2234Lys; replaces asparagine 2234 with lysine.
Molecular consequence: missense variant.
Genome position (GRCh38, 1-based): chr6:117,300,987, A>C on the plus strand (T>G on the coding strand, the complement: ROS1 is on the minus strand). VCF-style: chr6-117300987-A-C. GRCh37 (hg19) VCF-style: chr6-117622150-A-C.
Other names: c.6708T>G, p.Asn2236Lys (NM_001378891.1); c.6720T>G, p.Asn2240Lys (NM_002944.3); short protein forms N2234K, N2236K, N2240K.
Identifiers: ClinVar variation 4820800 (VCV004820800.4).